The following is an entry in ClinVar:

NM_000168.6(GLI3):c.2431+123G>A

Gene: GLI3 (GLI family zinc finger 3; minus strand). Cytogenetic location: 7p14.1.
Variant type: single nucleotide variant.
Coding change: c.2431+123G>A on transcript NM_000168.6 (MANE Select); 123 bases into the intron after coding-DNA position 2431, G replaced by A.
Molecular consequence: intron variant.
Genome position (GRCh38, 1-based): chr7:41,967,473, C>T on the plus strand (G>A on the coding strand, the complement: GLI3 is on the minus strand). VCF-style: chr7-41967473-C-T. GRCh37 (hg19) VCF-style: chr7-42007071-C-T.
Identifiers: ClinVar variation 681351 (VCV000681351.1), dbSNP rs4724083, ClinGen allele CA12464399.

ClinVar aggregate classification (germline): Benign (1 of 4 stars; one submission).

Allele frequency attached by ClinVar (database versions not stated): gnomAD exomes 0.38595; gnomAD 0.40087 and 0.40750; TOPMed 0.42552; 1000 Genomes Project 30x 0.49922; 1000 Genomes Project 0.50439.
gnomAD v4.1: 290,172 of 743,342 alleles (39%); highest among the groups gnomAD compares: East Asian, 82%; 63,177 homozygotes.

Submission:

GeneDx
Classification: Benign. Last evaluated: 2018-06-14. Review status: criteria provided, single submitter. Criteria: GeneDx Variant Classification (06012015). Collection method: clinical testing. Allele origin: germline. Affected: yes.
Comment: This variant is considered likely benign or benign based on one or more of the following criteria: it is a conservative change, it occurs at a poorly conserved position in the protein, it is predicted to be benign by multiple in silico algorithms, and/or has population frequency not consistent with disease.